The following is an entry in ClinVar:

NM_001085458.2(CTNND1):c.2436-2A>G

Genes: CTNND1 (catenin delta 1; plus strand), TMX2-CTNND1 (TMX2-CTNND1 readthrough (NMD candidate); plus strand). Cytogenetic location: 11q12.1.
Variant type: single nucleotide variant.
Coding change: c.2436-2A>G on transcript NM_001085458.2 (MANE Select); the canonical splice acceptor site of the intron before coding-DNA position 2436, A replaced by G.
Molecular consequence: splice acceptor variant.
Genome position (GRCh38, 1-based): chr11:57,810,107, A>G. VCF-style: chr11-57810107-A-G. GRCh37 (hg19) VCF-style: chr11-57577579-A-G.
Other names: c.2436-2A>G (NM_001206885.2); c.2418-2A>G (NM_001085459.2, NM_001085461.2, NM_001331.3 and 2 more transcripts); c.2256-2A>G (NM_001206891.2, NM_001206889.2, NM_001206886.2 and 2 more transcripts); c.2115-2A>G (NM_001085467.2, NM_001206890.2, NM_001085464.2 and 3 more transcripts); c.2274-2A>G (NM_001206883.2, NM_001206884.2); c.2133-2A>G (NM_001085463.2, NM_001085466.2).
Identifiers: ClinVar variation 5002242 (VCV005002242.1).

ClinVar aggregate classification (germline): Likely pathogenic (1 of 4 stars; one submission).

Conditions:
CTNND1-related disorder. Also called: CTNND1-related condition.

Submission:

PreventionGenetics, part of Exact Sciences
Classification: Likely pathogenic for CTNND1-related condition. Last evaluated: 2025-07-19. Review status: criteria provided, single submitter. Criteria: ACMG Guidelines, 2015. Collection method: clinical testing. Allele origin: germline.
Comment: The CTNND1 c.2436-2A>G variant is predicted to disrupt the AG splice acceptor site and interfere with normal splicing. To our knowledge, this variant has not been reported in the literature or in a large population database (gnomAD), indicating this variant is rare. Variants that disrupt the consensus splice acceptor site in CTNND1 are expected to be pathogenic. This variant is interpreted as likely pathogenic.